The following is an entry in ClinVar:

ClinVar aggregate classification (germline): Conflicting classifications of pathogenicity. Review status: criteria provided, conflicting classifications (1 of 4 stars). 2 submissions from 2 submitters: Likely pathogenic (1); Uncertain significance (1). Last evaluated 2024-02-16.

Allele frequency attached by ClinVar (database versions not stated): gnomAD exomes below 0.00001.
gnomAD v4.1: 1 of 1,613,772 alleles (0.000062%); highest among the groups gnomAD compares: East Asian, 0.0022%; no homozygotes.

Submissions (2):

Labcorp Genetics (formerly Invitae), Labcorp
Classification: Likely pathogenic. Last evaluated: 2024-02-16. Review status: criteria provided, single submitter. Criteria: Invitae Variant Classification Sherloc (09022015). Collection method: clinical testing. Allele origin: germline.
Comment: This sequence change affects a donor splice site in intron 57 of the COL27A1 gene. It is expected to disrupt RNA splicing. Variants that disrupt the donor or acceptor splice site typically lead to a loss of protein function (PMID: 16199547), and loss-of-function variants in COL27A1 are known to be pathogenic (PMID: 24986830, 28276056). This variant is present in population databases (no rsID available, gnomAD 0.006%). This variant has not been reported in the literature in individuals affected with COL27A1-related conditions. ClinVar contains an entry for this variant (Variation ID: 1494571). Algorithms developed to predict the effect of sequence changes on RNA splicing suggest that this variant may disrupt the consensus splice site. In summary, the currently available evidence indicates that the variant is pathogenic, but additional data are needed to prove that conclusively. Therefore, this variant has been classified as Likely Pathogenic.

Blueprint Genetics
Classification: Uncertain significance. Last evaluated: 2023-08-24. Review status: criteria provided, single submitter. Criteria: ACMG Guidelines, 2015. Collection method: clinical testing. Allele origin: germline.

Literature cited by the submitters: PubMed 16199547 (cited by Labcorp Genetics (formerly Invitae), Labcorp); PubMed 24986830 (cited by Labcorp Genetics (formerly Invitae), Labcorp); PubMed 28276056 (cited by Labcorp Genetics (formerly Invitae), Labcorp).

NM_032888.4(COL27A1):c.4938+1G>T

Gene: COL27A1 (collagen type XXVII alpha 1 chain; plus strand). Cytogenetic location: 9q32.
Variant type: single nucleotide variant.
Coding change: c.4938+1G>T on transcript NM_032888.4 (MANE Select); the canonical splice donor site of the intron after coding-DNA position 4938, G replaced by T.
Molecular consequence: splice donor variant.
Genome position (GRCh38, 1-based): chr9:114,304,674, G>T. VCF-style: chr9-114304674-G-T. GRCh37 (hg19) VCF-style: chr9-117066954-G-T.
Identifiers: ClinVar variation 1494571 (VCV001494571.7), dbSNP rs1432130710, ClinGen allele CA374595040.